The following is an entry in ClinVar:

ClinVar aggregate classification (germline): Benign/Likely benign. Review status: criteria provided, multiple submitters, no conflicts (2 of 4 stars). 4 submissions from 4 submitters: Benign (3); Likely benign (1). Last evaluated 2025-08-18.

Allele frequency attached by ClinVar (database versions not stated): 1000 Genomes Project 30x 0.00515; 1000 Genomes Project 0.00559; ESP Exome Variant Server 0.00785; gnomAD 0.00926 and 0.00982; TOPMed 0.00937; gnomAD exomes 0.00961 and 0.01327; ExAC 0.00966.
gnomAD v4.1: 20,800 of 1,612,984 alleles (1.3%); highest among the groups gnomAD compares: Non-Finnish European, 1.5%; 154 homozygotes.

Submissions (4):

Genomic Medicine Center of Excellence, King Faisal Specialist Hospital and Research Centre
Classification: Likely benign. Last evaluated: 2025-08-18. Review status: criteria provided, single submitter. Criteria: ACMG Guidelines, 2015. Collection method: clinical testing. Allele origin: germline.

CeGaT Center for Human Genetics Tuebingen
Classification: Benign. Last evaluated: 2024-01-01. Review status: criteria provided, single submitter. Criteria: CeGaT Center For Human Genetics Tuebingen Variant Classification Criteria Version 2. Collection method: clinical testing. Allele origin: germline. Affected: yes. Observed: 1 variant allele.
Comment: NUMA1: BS1, BS2

Labcorp Genetics (formerly Invitae), Labcorp
Classification: Benign. Last evaluated: 2018-08-17. Review status: criteria provided, single submitter. Criteria: Invitae Variant Classification Sherloc (09022015). Collection method: clinical testing. Allele origin: germline.

Breakthrough Genomics
Classification: Benign. Review status: criteria provided, single submitter. Criteria: ACMG Guidelines, 2015. Collection method: not provided. Allele origin: germline. Inheritance: Unknown mechanism. Affected: yes.

NM_006185.4(NUMA1):c.5383G>A (p.Asp1795Asn)

Genes: IL18BP (interleukin 18 binding protein; plus strand), NUMA1 (nuclear mitotic apparatus protein 1; minus strand). Cytogenetic location: 11q13.4.
Variant type: single nucleotide variant.
Coding change: c.5383G>A on transcript NM_006185.4 (MANE Select); coding-DNA position 5383, G replaced by A.
Protein change: p.Asp1795Asn; replaces aspartic acid 1795 with asparagine.
Molecular consequence: missense variant. On other transcripts: non-coding transcript variant (1).
Genome position (GRCh38, 1-based): chr11:72,007,269, C>T on the plus strand (G>A on the coding strand, the complement: NUMA1 is on the minus strand). VCF-style: chr11-72007269-C-T. GRCh37 (hg19) VCF-style: chr11-71718315-C-T.
Other names: c.5341G>A, p.Asp1781Asn (NM_001286561.2); short protein forms D1795N, D1781N.
Identifiers: ClinVar variation 780145 (VCV000780145.27), dbSNP rs61744204, ClinGen allele CA6166758.